The following is an entry in ClinVar:

ClinVar aggregate classification (germline): Uncertain significance (1 of 4 stars; one submission).

Allele frequency attached by ClinVar (database versions not stated): gnomAD 0.00001.
gnomAD v4.1: 1 of 1,604,534 alleles (0.000062%); highest among the groups gnomAD compares: Non-Finnish European, 0.000085%; no homozygotes.

Submission:

GeneDx
Classification: Uncertain significance. Last evaluated: 2022-03-01. Review status: criteria provided, single submitter. Criteria: GeneDx Variant Classification Process June 2021. Collection method: clinical testing. Allele origin: germline. Affected: yes.
Comment: In silico analysis supports that this missense variant has a deleterious effect on protein structure/function; Has not been previously published as pathogenic or benign to our knowledge

NM_020791.4(TAOK1):c.153T>G (p.Asn51Lys)

Gene: TAOK1 (TAO kinase 1; plus strand). Cytogenetic location: 17q11.2.
Variant type: single nucleotide variant.
Coding change: c.153T>G on transcript NM_020791.4 (MANE Select); coding-DNA position 153, T replaced by G.
Protein change: p.Asn51Lys; replaces asparagine 51 with lysine.
Molecular consequence: missense variant.
Genome position (GRCh38, 1-based): chr17:29,467,165, T>G. VCF-style: chr17-29467165-T-G. GRCh37 (hg19) VCF-style: chr17-27794183-T-G.
Other names: c.153T>G, p.Asn51Lys (NM_025142.1); short protein forms N51K.
Identifiers: ClinVar variation 1704161 (VCV001704161.2), dbSNP rs1287976071, ClinGen allele CA399187814.